The following is an entry in ClinVar:

NM_031433.4(MFRP):c.335C>A (p.Thr112Lys)

Genes: C1QTNF5 (C1q and TNF related 5; minus strand), MFRP (membrane frizzled-related protein; minus strand). Cytogenetic location: 11q23.3.
Variant type: single nucleotide variant.
Coding change: c.335C>A on transcript NM_031433.4 (MANE Select); coding-DNA position 335, C replaced by A.
Protein change: p.Thr112Lys; replaces threonine 112 with lysine.
Molecular consequence: missense variant. On other transcripts: 5 prime UTR variant (1).
Genome position (GRCh38, 1-based): chr11:119,345,865, G>T on the plus strand (C>A on the coding strand, the complement: MFRP is on the minus strand). VCF-style: chr11-119345865-G-T. GRCh37 (hg19) VCF-style: chr11-119216575-G-T.
Other names: c.-2302C>A (NM_015645.5); short protein forms T112K.
Identifiers: ClinVar variation 1353631 (VCV001353631.7), dbSNP rs145883448, ClinGen allele CA382978951.
Genomic context (GRCh38, chr11:119,345,865, plus strand): 5'-TGCTGCCCTTTAGGGGTCCCAGCTGCCTGAGAGGTGGTGATGGTGGGGGTGGTGGTGGTC[G>T]TGGTAAGGCCTCCGGCAGGCAGTGGGCTATGGGACGCCCCAGATGGGGGTGCAGCCTGCA-3'
Protein context (NP_113621.1, residues 102-122): HSPLPAGGLT[Thr112Lys]TTTTPTITTS

ClinVar aggregate classification (germline): Uncertain significance (1 of 4 stars; one submission).

Conditions:
Isolated microphthalmia 5. Also called: Posterior Microphthalmia with Retinitis Pigmentosa, Foveoschisis, and Optic Disc Drusen. Identifiers: Orphanet 251279, MedGen C1970236, MONDO:0012605, OMIM 611040.

gnomAD v4.1: 3 of 1,613,670 alleles (0.00019%); highest among the groups gnomAD compares: African/African-American, 0.0027%; no homozygotes.

Submission:

Labcorp Genetics (formerly Invitae), Labcorp
Classification: Uncertain significance for Isolated microphthalmia 5. Last evaluated: 2024-10-24. Review status: criteria provided, single submitter. Criteria: Invitae Variant Classification Sherloc (09022015). Collection method: clinical testing. Allele origin: germline.
Comment: This sequence change replaces threonine, which is neutral and polar, with lysine, which is basic and polar, at codon 112 of the MFRP protein (p.Thr112Lys). This variant is present in population databases (no rsID available, gnomAD 0.01%). This variant has not been reported in the literature in individuals affected with MFRP-related conditions. ClinVar contains an entry for this variant (Variation ID: 1353631). Invitae Evidence Modeling of protein sequence and biophysical properties (such as structural, functional, and spatial information, amino acid conservation, physicochemical variation, residue mobility, and thermodynamic stability) indicates that this missense variant is not expected to disrupt MFRP protein function with a negative predictive value of 80%. In summary, the available evidence is currently insufficient to determine the role of this variant in disease. Therefore, it has been classified as a Variant of Uncertain Significance.